The following is an entry in ClinVar:

NM_014801.4(PCNX2):c.1506C>T (p.Ser502=)

Genes: PCNX2 (pecanex 2; minus strand), LOC126806051 (BRD4-independent group 4 enhancer GRCh37_chr1:233393606-233394805; plus strand). Cytogenetic location: 1q42.2.
Variant type: single nucleotide variant.
Coding change: c.1506C>T on transcript NM_014801.4 (MANE Select); coding-DNA position 1506, C replaced by T.
Protein change: p.Ser502=; no amino-acid change (serine 502 retained).
Molecular consequence: synonymous variant.
Genome position (GRCh38, 1-based): chr1:233,258,356, G>A on the plus strand (C>T on the coding strand, the complement: PCNX2 is on the minus strand). VCF-style: chr1-233258356-G-A. GRCh37 (hg19) VCF-style: chr1-233394102-G-A.
Identifiers: ClinVar variation 2640089 (VCV002640089.24), dbSNP rs368875399, ClinGen allele CA1458196.

ClinVar aggregate classification (germline): Likely benign (1 of 4 stars; one submission).

Allele frequency attached by ClinVar (database versions not stated): ESP Exome Variant Server 0.00008; ExAC 0.00012; 1000 Genomes Project 0.00020; 1000 Genomes Project 30x 0.00031.
gnomAD v4.1: 107 of 1,613,950 alleles (0.0066%); highest among the groups gnomAD compares: South Asian, 0.012%; no homozygotes.

Submission:

CeGaT Center for Human Genetics Tuebingen
Classification: Likely benign. Last evaluated: 2022-07-01. Review status: criteria provided, single submitter. Criteria: CeGaT Center For Human Genetics Tuebingen Variant Classification Criteria Version 2. Collection method: clinical testing. Allele origin: germline. Affected: yes. Observed: 1 variant allele.
Comment: PCNX2: BP4, BP7